The following is an entry in ClinVar:

ClinVar aggregate classification (germline): Uncertain significance. Review status: criteria provided, multiple submitters, no conflicts (2 of 4 stars). 2 submissions from 2 submitters: Uncertain significance (2). Last evaluated 2021-06-24.

Conditions:
Inborn genetic diseases. Identifiers: MedGen C0950123, MeSH D030342.

Allele frequency attached by ClinVar (database versions not stated): gnomAD 0.00001; gnomAD exomes 0.00002; ExAC 0.00003.
gnomAD v4.1: 7 of 1,604,524 alleles (0.00044%); highest among the groups gnomAD compares: Admixed American, 0.012%; no homozygotes.

Submissions (2):

Ambry Genetics
Classification: Uncertain significance for Inborn genetic diseases. Last evaluated: 2021-06-24. Review status: criteria provided, single submitter. Criteria: Ambry Variant Classification Scheme 2023. Collection method: clinical testing. Allele origin: germline.

GeneDx
Classification: Uncertain significance. Last evaluated: 2021-06-21. Review status: criteria provided, single submitter. Criteria: GeneDx Variant Classification Process June 2021. Collection method: clinical testing. Allele origin: germline. Affected: yes.
Comment: In silico analysis supports that this missense variant has a deleterious effect on protein structure/function; Has not been previously published as pathogenic or benign to our knowledge; This variant is associated with the following publications: (PMID: 27535533)

NM_001194998.2(CEP152):c.2864A>T (p.Lys955Met)

Gene: CEP152 (centrosomal protein 152; minus strand). Cytogenetic location: 15q21.1.
Variant type: single nucleotide variant.
Coding change: c.2864A>T on transcript NM_001194998.2 (MANE Select); coding-DNA position 2864, A replaced by T.
Protein change: p.Lys955Met; replaces lysine 955 with methionine.
Molecular consequence: missense variant.
Genome position (GRCh38, 1-based): chr15:48,756,384, T>A on the plus strand (A>T on the coding strand, the complement: CEP152 is on the minus strand). VCF-style: chr15-48756384-T-A. GRCh37 (hg19) VCF-style: chr15-49048581-T-A.
Other names: c.2864A>T, p.Lys955Met (NM_014985.4); short protein forms K955M.
Identifiers: ClinVar variation 1329817 (VCV001329817.4), dbSNP rs756253532, ClinGen allele CA7548457.